The following is an entry in ClinVar:

NM_024529.5(CDC73):c.111G>T (p.Lys37Asn)

Gene: CDC73 (cell division cycle 73; plus strand). Cytogenetic location: 1q31.2.
Variant type: single nucleotide variant.
Coding change: c.111G>T on transcript NM_024529.5 (MANE Select); coding-DNA position 111, G replaced by T.
Protein change: p.Lys37Asn; replaces lysine 37 with asparagine.
Molecular consequence: missense variant.
Genome position (GRCh38, 1-based): chr1:193,122,311, G>T. VCF-style: chr1-193122311-G-T. GRCh37 (hg19) VCF-style: chr1-193091441-G-T.
Other names: short protein forms K37N.
Identifiers: ClinVar variation 5033845 (VCV005033845.1).

ClinVar aggregate classification (germline): Uncertain significance (1 of 4 stars; one submission).

Conditions:
Hereditary cancer-predisposing syndrome. Also called: Neoplastic Syndromes, Hereditary; Tumor predisposition; Hereditary neoplastic syndrome; Hereditary Cancer Syndrome. Identifiers: Orphanet 140162, MedGen C0027672, MeSH D009386, MONDO:0015356.

Submission:

Ambry Genetics
Classification: Uncertain significance for Hereditary cancer-predisposing syndrome. Last evaluated: 2026-08-04. Review status: criteria provided, single submitter. Criteria: Ambry Variant Classification Scheme 2023. Collection method: clinical testing. Allele origin: germline.
Comment: The p.K37N variant (also known as c.111G>T), located in coding exon 1 of the CDC73 gene, results from a G to T substitution at nucleotide position 111. The lysine at codon 37 is replaced by asparagine, an amino acid with similar properties. This amino acid position is conserved. In addition, this alteration is predicted to be tolerated by in silico analysis. Based on the available evidence, the clinical significance of this variant remains unclear.